The following is an entry in ClinVar:

NM_007194.4(CHEK2):c.1522dup (p.Leu508fs)

Gene: CHEK2 (checkpoint kinase 2; minus strand). Cytogenetic location: 22q12.1.
Variant type: Duplication.
Coding change: c.1522dup on transcript NM_007194.4 (MANE Select); coding-DNA position 1522, one base duplicated (C; older notation c.1522dupC).
Protein change: p.Leu508fs; shifts the reading frame from leucine 508.
Molecular consequence: frameshift variant.
Genome position (GRCh38, 1-based): chr22:28,689,155, G duplicated on the plus strand (C on the coding strand, the reverse complement: CHEK2 is on the minus strand). VCF-style (leftmost placement, unchanged base first): chr22-28689154-A-AG. GRCh37 (hg19) VCF-style: chr22-29085142-A-AG.
Other names: c.1522dupC (NM_007194.3); c.1651dup, p.Leu551Profs (NM_001005735.3); c.859dup, p.Leu287Profs (NM_001257387.3); c.1321dup, p.Leu441Profs (NM_001349956.3); c.1435dup, p.Leu479Profs (NM_145862.3); short protein forms L287fs, L441fs, L479fs, L508fs, L551fs.
Identifiers: ClinVar variation 487426 (VCV000487426.8), dbSNP rs1555912001, ClinGen allele CA658656811.

ClinVar aggregate classification (germline): Pathogenic/Likely pathogenic. Review status: criteria provided, multiple submitters, no conflicts (2 of 4 stars). 4 submissions from 4 submitters: Pathogenic (1); Likely pathogenic (2). 1 of the submissions does not count toward it. Last evaluated 2025-09-24.

Conditions:
Hereditary cancer-predisposing syndrome. Also called: Tumor predisposition; Hereditary Cancer Syndrome; Hereditary neoplastic syndrome; Neoplastic Syndromes, Hereditary. Identifiers: Orphanet 140162, MedGen C0027672, MeSH D009386, MONDO:0015356.
Familial cancer of breast. Also called: hereditary breast carcinoma; BREAST CANCER, FAMILIAL; Hereditary breast cancer. Identifiers: Orphanet 227535, MedGen C0346153, MONDO:0016419, OMIM 114480. Disease mechanism: loss of function.

Submissions (4):

Labcorp Genetics (formerly Invitae), Labcorp
Classification: Likely pathogenic for Familial cancer of breast. Last evaluated: 2025-09-24. Review status: criteria provided, single submitter. Criteria: Invitae Variant Classification Sherloc (09022015). Collection method: clinical testing. Allele origin: germline.
Comment: This sequence change creates a premature translational stop signal (p.Leu508Profs*11) in the CHEK2 gene. While this is not anticipated to result in nonsense mediated decay, it is expected to disrupt the last 36 amino acid(s) of the CHEK2 protein. This variant is not present in population databases (gnomAD no frequency). This variant has not been reported in the literature in individuals affected with CHEK2-related conditions. ClinVar contains an entry for this variant (Variation ID: 487426). This variant disrupts the nuclear localization signal (NLS) of the CHEK2 protein, which is critical for proper nuclear localization (PMID: 18004398, 12909615). While functional studies have not been performed to directly test the effect of this variant on CHEK2 protein function, this suggests that disruption of this region of the protein is causative of disease. In summary, the currently available evidence indicates that the variant is pathogenic, but additional data are needed to prove that conclusively. Therefore, this variant has been classified as Likely Pathogenic.

Ambry Genetics
Classification: Likely pathogenic for Hereditary cancer-predisposing syndrome. Last evaluated: 2025-08-06. Review status: criteria provided, single submitter. Criteria: Ambry Variant Classification Scheme 2023. Collection method: clinical testing. Allele origin: germline.
Comment: The c.1522dupC variant, located in coding exon 13 of the CHEK2 gene, results from a duplication of C at nucleotide position 1522, causing a translational frameshift with a predicted alternate stop codon (p.L508Pfs*11). This alteration occurs at the 3' terminus of the CHEK2 gene, is not expected to trigger nonsense-mediated mRNA decay, and impacts the last 36 amino acids of the protein. However, premature stop codons are typically deleterious in nature, a significant portion of the protein is affected, and the impacted region is critical for protein function (Ambry internal data). This variant is predicted to disrupt the nuclear localization signal of the protein (Zannini L et al. J Biol Chem. 2003 Oct 24;278(43):42346-51). This variant is considered to be rare based on population cohorts in the Genome Aggregation Database (gnomAD). Based on the majority of available evidence to date, this variant is likely to be pathogenic.

Myriad Genetics, Inc.
Classification: Pathogenic for Familial cancer of breast. Last evaluated: 2023-03-08. Review status: criteria provided, single submitter. Criteria: Myriad Autosomal Dominant, Autosomal Recessive and X-Linked Classification Criteria (2023). Collection method: clinical testing. Allele origin: unknown.
Comment: This variant is considered pathogenic. This variant creates a frameshift predicted to result in premature protein truncation.

Counsyl
Classification: Likely pathogenic for Familial cancer of breast. Last evaluated: 2017-02-27. Review status: no assertion criteria provided. Collection method: clinical testing. Allele origin: unknown. Not counted in ClinVar's aggregate classification.

Literature cited by the submitters: PubMed 18004398 (cited by Labcorp Genetics (formerly Invitae), Labcorp); PubMed 12909615 (cited by Labcorp Genetics (formerly Invitae), Labcorp and Counsyl).